The following is an entry in ClinVar:

NM_033100.4(CDHR1):c.749C>G (p.Pro250Arg)

Gene: CDHR1 (cadherin related family member 1; plus strand). Cytogenetic location: 10q23.1.
Variant type: single nucleotide variant.
Coding change: c.749C>G on transcript NM_033100.4 (MANE Select); coding-DNA position 749, C replaced by G.
Protein change: p.Pro250Arg; replaces proline 250 with arginine.
Molecular consequence: missense variant.
Genome position (GRCh38, 1-based): chr10:84,203,089, C>G. VCF-style: chr10-84203089-C-G. GRCh37 (hg19) VCF-style: chr10-85962845-C-G.
Other names: c.749C>G, p.Pro250Arg (NM_001171971.3); short protein forms P250R.
Identifiers: ClinVar variation 1385813 (VCV001385813.8), dbSNP rs757336514, ClinGen allele CA377372752.

ClinVar aggregate classification (germline): Uncertain significance (1 of 4 stars; one submission).

Submission:

Labcorp Genetics (formerly Invitae), Labcorp
Classification: Uncertain significance. Last evaluated: 2022-02-24. Review status: criteria provided, single submitter. Criteria: Invitae Variant Classification Sherloc (09022015). Collection method: clinical testing. Allele origin: germline.
Comment: In summary, the available evidence is currently insufficient to determine the role of this variant in disease. Therefore, it has been classified as a Variant of Uncertain Significance. Advanced modeling of protein sequence and biophysical properties (such as structural, functional, and spatial information, amino acid conservation, physicochemical variation, residue mobility, and thermodynamic stability) performed at Invitae indicates that this missense variant is not expected to disrupt CDHR1 protein function. This variant has not been reported in the literature in individuals affected with CDHR1-related conditions. This variant is not present in population databases (gnomAD no frequency). This sequence change replaces proline, which is neutral and non-polar, with arginine, which is basic and polar, at codon 250 of the CDHR1 protein (p.Pro250Arg).